The following is an entry in ClinVar:

ClinVar aggregate classification (germline): Uncertain significance (1 of 4 stars; one submission).

Submission:

Labcorp Genetics (formerly Invitae), Labcorp
Classification: Uncertain significance. Last evaluated: 2023-06-18. Review status: criteria provided, single submitter. Criteria: Invitae Variant Classification Sherloc (09022015). Collection method: clinical testing. Allele origin: germline.
Comment: In summary, the available evidence is currently insufficient to determine the role of this variant in disease. Therefore, it has been classified as a Variant of Uncertain Significance. Advanced modeling of protein sequence and biophysical properties (such as structural, functional, and spatial information, amino acid conservation, physicochemical variation, residue mobility, and thermodynamic stability) performed at Invitae indicates that this missense variant is not expected to disrupt DEAF1 protein function. This variant has not been reported in the literature in individuals affected with DEAF1-related conditions. This variant is not present in population databases (gnomAD no frequency). This sequence change replaces proline, which is neutral and non-polar, with glutamine, which is neutral and polar, at codon 407 of the DEAF1 protein (p.Pro407Gln).

NM_021008.4(DEAF1):c.1220C>A (p.Pro407Gln)

Gene: DEAF1 (DEAF1 transcription factor; minus strand). Cytogenetic location: 11p15.5.
Variant type: single nucleotide variant.
Coding change: c.1220C>A on transcript NM_021008.4 (MANE Select); coding-DNA position 1220, C replaced by A.
Protein change: p.Pro407Gln; replaces proline 407 with glutamine.
Molecular consequence: missense variant.
Genome position (GRCh38, 1-based): chr11:678,729, G>T on the plus strand (C>A on the coding strand, the complement: DEAF1 is on the minus strand). VCF-style: chr11-678729-G-T. GRCh37 (hg19) VCF-style: chr11-678729-G-T.
Other names: c.953C>A, p.Pro318Gln (NM_001293634.2); c.494C>A, p.Pro165Gln (NM_001367390.1); short protein forms P165Q, P407Q, P318Q.
Identifiers: ClinVar variation 2718912 (VCV002718912.3), dbSNP rs2494402380, ClinGen allele CA378925305.